The following is an entry in ClinVar:

NM_015102.5(NPHP4):c.2327del (p.Pro776fs)

Gene: NPHP4 (nephrocystin 4; minus strand). Cytogenetic location: 1p36.31.
Variant type: Deletion.
Coding change: c.2327del on transcript NM_015102.5 (MANE Select); coding-DNA position 2327, one base deleted (C; older notation c.2327delC).
Protein change: p.Pro776fs; shifts the reading frame from proline 776.
Molecular consequence: frameshift variant. On other transcripts: non-coding transcript variant (1).
Genome position (GRCh38, 1-based): chr1:5,887,444, G deleted on the plus strand (C on the coding strand, the reverse complement: NPHP4 is on the minus strand); the first of 2 consecutive G bases (chr1:5,887,444-5,887,445); deleting either gives the same sequence. VCF-style (leftmost placement, unchanged base first): chr1-5887443-CG-C. GRCh37 (hg19) VCF-style: chr1-5947503-CG-C.
Other names: c.788del, p.Pro263fs (NM_001291593.2); c.791del, p.Pro264fs (NM_001291594.2); short protein forms P263fs, P264fs, P776fs.
Identifiers: ClinVar variation 988265 (VCV000988265.1), dbSNP rs1643882944, ClinGen allele CA1151225415.
Genomic context (GRCh38, chr1:5,887,443, plus strand): 5'-CATGTTGTCCTGCTCGTATTCAGTTGCCACGACCTCAAGCTCGTGGGAGGCCTGCACAGC[CG>C]GCCGGCCTTGGCGGAGGAGATGCTGCAGAAGAGAAAAGCGCGTTCAGAGGCTGGAGCCGG-3'

ClinVar aggregate classification (germline): Likely pathogenic (0 of 4 stars; one submission).

Conditions:
Nephronophthisis. Also called: Juvenile Nephronophthisis. Identifiers: Orphanet 655, MedGen C0687120, MONDO:0019005, HP:0000090.

Submission:

Sydney Genome Diagnostics, Children's Hospital Westmead
Classification: Likely pathogenic for Nephronophthisis. Last evaluated: 2019-07-23. Review status: no assertion criteria provided. Collection method: clinical testing. Allele origin: unknown. Affected: yes. Observed: 1 variant allele, 1 compound heterozygote.
Comment: This frameshifting variant is predicted to create a premature stop codon p.(Pro776Argfs*23) and may result in a null allele due to nonsense-mediated mRNA decay. The variant has not been reported in any population databases (i.e. gnomAD, ExAC, ESP or dbSNP). To our knowledge, this variant has not been previously reported in the literature or any disease specific databases. However, other truncating variants downstream of this amino acid have been described in the literature (OMIM *607215). This variant is considered to be likely pathogenic according to the ACMG guidelines (Evidence used PVS1, PM2).